The following is an entry in ClinVar:

ClinVar aggregate classification (germline): Pathogenic (1 of 4 stars; one submission).

gnomAD v4.1: 4 of 1,607,564 alleles (0.00025%); highest among the groups gnomAD compares: Non-Finnish European, 0.00034%; no homozygotes.

Submission:

Labcorp Genetics (formerly Invitae), Labcorp
Classification: Pathogenic. Last evaluated: 2024-05-08. Review status: criteria provided, single submitter. Criteria: Invitae Variant Classification Sherloc (09022015). Collection method: clinical testing. Allele origin: germline.
Comment: This sequence change creates a premature translational stop signal (p.Gln1729*) in the SZT2 gene. It is expected to result in an absent or disrupted protein product. Loss-of-function variants in SZT2 are known to be pathogenic (PMID: 23932106, 27248490, 28556953). This variant is not present in population databases (gnomAD no frequency). This variant has not been reported in the literature in individuals affected with SZT2-related conditions. For these reasons, this variant has been classified as Pathogenic.

Literature cited by the submitters: PubMed 23932106; PubMed 27248490; PubMed 28556953.

NM_001365999.1(SZT2):c.5356C>T (p.Gln1786Ter)

Gene: SZT2 (SZT2 subunit of KICSTOR complex; plus strand). Cytogenetic location: 1p34.2.
Variant type: single nucleotide variant.
Coding change: c.5356C>T on transcript NM_001365999.1 (MANE Select); coding-DNA position 5356, C replaced by T.
Protein change: p.Gln1786Ter; replaces glutamine 1786 with a stop codon.
Molecular consequence: nonsense.
Genome position (GRCh38, 1-based): chr1:43,432,353, C>T. VCF-style: chr1-43432353-C-T. GRCh37 (hg19) VCF-style: chr1-43898024-C-T.
Other names: c.5185C>T, p.Gln1729Ter (NM_015284.4); short protein forms Q1786*, Q1729*.
Identifiers: ClinVar variation 3674516 (VCV003674516.2).